The following is an entry in ClinVar:

NM_139321.3(ATRN):c.449G>A (p.Gly150Glu)

Gene: ATRN (attractin; plus strand). Cytogenetic location: 20p13.
Variant type: single nucleotide variant.
Coding change: c.449G>A on transcript NM_139321.3 (MANE Select); coding-DNA position 449, G replaced by A.
Protein change: p.Gly150Glu; replaces glycine 150 with glutamic acid.
Molecular consequence: missense variant.
Genome position (GRCh38, 1-based): chr20:3,535,291, G>A. VCF-style: chr20-3535291-G-A. GRCh37 (hg19) VCF-style: chr20-3515938-G-A.
Other names: c.101G>A, p.Gly34Glu (NM_001207047.3); c.449G>A, p.Gly150Glu (NM_001323332.2, NM_139322.4); short protein forms G150E, G34E.
Identifiers: ClinVar variation 4776743 (VCV004776743.1).

ClinVar aggregate classification (germline): Uncertain significance (1 of 4 stars; one submission).

gnomAD v4.1: 2 of 1,550,276 alleles (0.00013%); highest among the groups gnomAD compares: East Asian, 0.0023%; no homozygotes.

Submission:

Labcorp Genetics (formerly Invitae), Labcorp
Classification: Uncertain significance. Last evaluated: 2025-11-08. Review status: criteria provided, single submitter. Criteria: Invitae Variant Classification Sherloc (09022015). Collection method: clinical testing. Allele origin: germline.
Comment: This sequence change replaces glycine, which is neutral and non-polar, with glutamic acid, which is acidic and polar, at codon 150 of the ATRN protein (p.Gly150Glu). This variant is not present in population databases (gnomAD no frequency). This variant has not been reported in the literature in individuals affected with ATRN-related conditions. An algorithm developed to predict the effect of missense changes on protein structure and function (PolyPhen-2) suggests that this variant is likely to be disruptive. In summary, the available evidence is currently insufficient to determine the role of this variant in disease. Therefore, it has been classified as a Variant of Uncertain Significance.